The following is an entry in ClinVar:

ClinVar aggregate classification (germline): Uncertain significance. Review status: criteria provided, multiple submitters, no conflicts (2 of 4 stars). 2 submissions from 2 submitters: Uncertain significance (2). Last evaluated 2025-08-17.

Conditions:
Hereditary cancer-predisposing syndrome. Also called: Tumor predisposition; Hereditary neoplastic syndrome; Neoplastic Syndromes, Hereditary; Hereditary Cancer Syndrome. Identifiers: Orphanet 140162, MedGen C0027672, MeSH D009386, MONDO:0015356.
Familial adenomatous polyposis 1 (FAP1). Also called: POLYPOSIS, ADENOMATOUS INTESTINAL; FAMILIAL ADENOMATOUS POLYPOSIS 1, ATTENUATED. Identifiers: MedGen C2713442, MONDO:0021056, OMIM 175100. Disease mechanism: loss of function.

Submissions (2):

Labcorp Genetics (formerly Invitae), Labcorp
Classification: Uncertain significance for Familial adenomatous polyposis 1. Last evaluated: 2025-08-17. Review status: criteria provided, single submitter. Criteria: Invitae Variant Classification Sherloc (09022015). Collection method: clinical testing. Allele origin: germline.
Comment: This sequence change replaces threonine, which is neutral and polar, with lysine, which is basic and polar, at codon 2266 of the APC protein (p.Thr2266Lys). This variant is not present in population databases (gnomAD no frequency). This variant has not been reported in the literature in individuals affected with APC-related conditions. ClinVar contains an entry for this variant (Variation ID: 861343). Invitae Evidence Modeling of protein sequence and biophysical properties (such as structural, functional, and spatial information, amino acid conservation, physicochemical variation, residue mobility, and thermodynamic stability) indicates that this missense variant is not expected to disrupt APC protein function with a negative predictive value of 95%. In summary, the available evidence is currently insufficient to determine the role of this variant in disease. Therefore, it has been classified as a Variant of Uncertain Significance.

Ambry Genetics
Classification: Uncertain significance for Hereditary cancer-predisposing syndrome. Last evaluated: 2024-02-27. Review status: criteria provided, single submitter. Criteria: Ambry Variant Classification Scheme 2023. Collection method: clinical testing. Allele origin: germline.
Comment: The p.T2266K variant (also known as c.6797C>A), located in coding exon 15 of the APC gene, results from a C to A substitution at nucleotide position 6797. The threonine at codon 2266 is replaced by lysine, an amino acid with similar properties. This amino acid position is not well conserved in available vertebrate species. In addition, in silico predictors for this gene do not accurately predict pathogenicity. Since supporting evidence is limited at this time, the clinical significance of this alteration remains unclear.

NM_000038.6(APC):c.6797C>A (p.Thr2266Lys)

Gene: APC (APC regulator of Wnt signaling pathway; plus strand). Cytogenetic location: 5q22.2.
Variant type: single nucleotide variant.
Coding change: c.6797C>A on transcript NM_000038.6 (MANE Select); coding-DNA position 6797, C replaced by A.
Protein change: p.Thr2266Lys; replaces threonine 2266 with lysine.
Molecular consequence: missense variant.
Genome position (GRCh38, 1-based): chr5:112,842,391, C>A. VCF-style: chr5-112842391-C-A. GRCh37 (hg19) VCF-style: chr5-112178088-C-A.
Other names: c.6797C>A, p.Thr2266Lys (NM_001127510.3, NM_001354895.2); c.6743C>A, p.Thr2248Lys (NM_001127511.3); c.6851C>A, p.Thr2284Lys (NM_001354896.2); c.6827C>A, p.Thr2276Lys (NM_001354897.2); c.6722C>A, p.Thr2241Lys (NM_001354898.2); c.6713C>A, p.Thr2238Lys (NM_001354899.2); c.6674C>A, p.Thr2225Lys (NM_001354900.2); c.6620C>A, p.Thr2207Lys (NM_001354901.2); and 5 more; short protein forms T2140K, T2165K, T2175K, T2238K, T2266K, T2276K, T2241K, T2284K.
Identifiers: ClinVar variation 861343 (VCV000861343.13), dbSNP rs1766306312, ClinGen allele CA16036176.